The following is an entry in ClinVar:

NM_004656.4(BAP1):c.1209T>C (p.Asp403=)

Gene: BAP1 (BRCA1 associated deubiquitinase 1; minus strand). Cytogenetic location: 3p21.1.
Variant type: single nucleotide variant.
Coding change: c.1209T>C on transcript NM_004656.4 (MANE Select); coding-DNA position 1209, T replaced by C.
Protein change: p.Asp403=; no amino-acid change (aspartic acid 403 retained).
Molecular consequence: synonymous variant.
Genome position (GRCh38, 1-based): chr3:52,404,494, A>G on the plus strand (T>C on the coding strand, the complement: BAP1 is on the minus strand). VCF-style: chr3-52404494-A-G. GRCh37 (hg19) VCF-style: chr3-52438510-A-G.
Other names: c.1209T>C (NM_004656.3).
Identifiers: ClinVar variation 818577 (VCV000818577.6), dbSNP rs1578222167, ClinGen allele CA433773956.

ClinVar aggregate classification (germline): Benign/Likely benign. Review status: criteria provided, multiple submitters, no conflicts (2 of 4 stars). 3 submissions from 3 submitters: Benign (1); Likely benign (2). Last evaluated 2024-07-15.

Conditions:
BAP1-related tumor predisposition syndrome (TPDS1). Also called: Tumor susceptibility linked to germline BAP1 mutations; BAP1 tumor predisposition syndrome; COMMON Syndrome; TUMOR PREDISPOSITION SYNDROME 1. Identifiers: Orphanet 289539, MedGen C3280492, MONDO:0013692, OMIM 614327.
Hereditary cancer-predisposing syndrome. Also called: Tumor predisposition; Hereditary neoplastic syndrome; Neoplastic Syndromes, Hereditary; Hereditary Cancer Syndrome. Identifiers: Orphanet 140162, MedGen C0027672, MeSH D009386, MONDO:0015356.

Submissions (3):

Myriad Genetics, Inc.
Classification: Benign for BAP1-related tumor predisposition syndrome. Last evaluated: 2024-07-15. Review status: criteria provided, single submitter. Criteria: Myriad Autosomal Dominant, Autosomal Recessive and X-Linked Classification Criteria (2023). Collection method: clinical testing. Allele origin: unknown.
Comment: This variant is considered benign. This variant is a silent/synonymous amino acid change and it is not expected to impact splicing.

Quest Diagnostics Nichols Institute San Juan Capistrano
Classification: Likely benign. Last evaluated: 2023-06-29. Review status: criteria provided, single submitter. Criteria: Quest Diagnostics criteria. Collection method: clinical testing. Allele origin: unknown.

Ambry Genetics
Classification: Likely benign for Hereditary cancer-predisposing syndrome. Last evaluated: 2019-01-16. Review status: criteria provided, single submitter. Criteria: Ambry Variant Classification Scheme 2023. Collection method: clinical testing. Allele origin: germline.